The following is an entry in ClinVar:

NM_002474.3(MYH11):c.3295C>A (p.Leu1099Ile)

Gene: MYH11 (myosin heavy chain 11; minus strand). Cytogenetic location: 16p13.11.
Variant type: single nucleotide variant.
Coding change: c.3295C>A on transcript NM_002474.3 (MANE Select); coding-DNA position 3295, C replaced by A.
Protein change: p.Leu1099Ile; replaces leucine 1099 with isoleucine.
Molecular consequence: missense variant.
Genome position (GRCh38, 1-based): chr16:15,735,577, G>T on the plus strand (C>A on the coding strand, the complement: MYH11 is on the minus strand). VCF-style: chr16-15735577-G-T. GRCh37 (hg19) VCF-style: chr16-15829434-G-T.
Other names: c.3316C>A, p.Leu1106Ile (NM_001040113.2, NM_001040114.2); c.3295C>A, p.Leu1099Ile (NM_022844.3); short protein forms L1099I, L1106I.
Identifiers: ClinVar variation 3341030 (VCV003341030.2).
Genomic context (GRCh38, chr16:15,735,577, plus strand): 5'-GGCCCTCCAGCTCCCGGATCTTCTTCAGGGCATTGTTCTTCTGAGCGATTTCATCGTCAA[G>T]CCTTCCAGGGAGAGACCCAGCAGAATGAACCCCCAGGTCCCTTGGTTTCCTCTCTTACAA-3'
Protein context (NP_002465.1, residues 1089-1109): EEELQAALAR[Leu1099Ile]DDEIAQKNNA

ClinVar aggregate classification (germline): Uncertain significance. Review status: criteria provided, multiple submitters, no conflicts (2 of 4 stars). 2 submissions from 2 submitters: Uncertain significance (2). Last evaluated 2025-07-09.

Conditions:
Familial thoracic aortic aneurysm and aortic dissection (TAAD). Also called: Thoracic aortic aneurysms and dissections. Identifiers: Orphanet 91387, MedGen C4707243, MONDO:0019625.

gnomAD v4.1: 4 of 1,614,182 alleles (0.00025%); highest among the groups gnomAD compares: Non-Finnish European, 0.00034%; no homozygotes.

Submissions (2):

Ambry Genetics
Classification: Uncertain significance for Familial thoracic aortic aneurysm and aortic dissection. Last evaluated: 2025-07-09. Review status: criteria provided, single submitter. Criteria: Ambry Variant Classification Scheme 2023. Collection method: clinical testing. Allele origin: germline.
Comment: The p.L1099I variant (also known as c.3295C>A), located in coding exon 25 of the MYH11 gene, results from a C to A substitution at nucleotide position 3295. The leucine at codon 1099 is replaced by isoleucine, an amino acid with highly similar properties. This amino acid position is conserved. In addition, this alteration is predicted to be tolerated by in silico analysis. Based on the available evidence, the clinical significance of this variant remains unclear.

GeneDx
Classification: Uncertain significance. Last evaluated: 2024-03-13. Review status: criteria provided, single submitter. Criteria: GeneDx Variant Classification Process June 2021. Collection method: clinical testing. Allele origin: germline. Affected: yes.
Comment: Has not been previously published as pathogenic or benign to our knowledge; Not observed at significant frequency in large population cohorts (gnomAD); In silico analysis supports that this missense variant does not alter protein structure/function